The following is an entry in ClinVar:

ClinVar aggregate classification (germline): Uncertain significance (1 of 4 stars; one submission).

Conditions:
Neuropathy, hereditary sensory, type 2C. Also called: KIF1A-Related HSAN2 (HSAN2C); Hereditary sensory and autonomic neuropathy type IIC. Identifiers: Orphanet 970, MedGen C3280168, MONDO:0013634, OMIM 614213.
Hereditary spastic paraplegia 30. Identifiers: Orphanet 101010, MedGen C5235139, MONDO:0012476.
Intellectual disability, autosomal dominant 9 (NESCAVS). Also called: NESCAV SYNDROME; KIF1A-Related Neurodevelopmental Disorder. Identifiers: Orphanet 662367, MedGen C5393830, MONDO:0013656, OMIM 614255.

Allele frequency attached by ClinVar (database versions not stated): gnomAD exomes below 0.00001.
gnomAD v4.1: 1 of 1,612,222 alleles (0.000062%); highest among the groups gnomAD compares: African/African-American, 0.0013%; no homozygotes.

Submission:

Labcorp Genetics (formerly Invitae), Labcorp
Classification: Uncertain significance for Hereditary spastic paraplegia 30; Neuropathy, hereditary sensory, type 2C; Intellectual disability, autosomal dominant 9. Last evaluated: 2023-02-11. Review status: criteria provided, single submitter. Criteria: Invitae Variant Classification Sherloc (09022015). Collection method: clinical testing. Allele origin: germline.
Comment: This sequence change replaces lysine, which is basic and polar, with asparagine, which is neutral and polar, at codon 1263 of the KIF1A protein (p.Lys1263Asn). This variant is not present in population databases (gnomAD no frequency). This variant has not been reported in the literature in individuals affected with KIF1A-related conditions. Advanced modeling of protein sequence and biophysical properties (such as structural, functional, and spatial information, amino acid conservation, physicochemical variation, residue mobility, and thermodynamic stability) performed at Invitae indicates that this missense variant is not expected to disrupt KIF1A protein function. In summary, the available evidence is currently insufficient to determine the role of this variant in disease. Therefore, it has been classified as a Variant of Uncertain Significance.

NM_001244008.2(KIF1A):c.4092A>T (p.Lys1364Asn)

Gene: KIF1A (kinesin family member 1A; minus strand). Cytogenetic location: 2q37.3.
Variant type: single nucleotide variant.
Coding change: c.4092A>T on transcript NM_001244008.2 (MANE Select); coding-DNA position 4092, A replaced by T.
Protein change: p.Lys1364Asn; replaces lysine 1364 with asparagine.
Molecular consequence: missense variant.
Genome position (GRCh38, 1-based): chr2:240,726,856, T>A on the plus strand (A>T on the coding strand, the complement: KIF1A is on the minus strand). VCF-style: chr2-240726856-T-A. GRCh37 (hg19) VCF-style: chr2-241666273-T-A.
Other names: c.3816A>T, p.Lys1272Asn (NM_001320705.2, NM_001379649.1); c.3843A>T, p.Lys1281Asn (NM_001330289.2); c.3891A>T, p.Lys1297Asn (NM_001330290.2, NM_001379648.1); c.4167A>T, p.Lys1389Asn (NM_001379631.1); c.4068A>T, p.Lys1356Asn (NM_001379632.1); c.4065A>T, p.Lys1355Asn (NM_001379633.1, NM_001379645.1); c.3918A>T, p.Lys1306Asn (NM_001379634.1); c.3915A>T, p.Lys1305Asn (NM_001379635.1, NM_001379646.1); and 7 more; short protein forms K1262N, K1271N, K1305N, K1306N, K1389N, K1272N, K1355N, K1263N.
Identifiers: ClinVar variation 2944192 (VCV002944192.3), dbSNP rs1424190456, ClinGen allele CA351309029.